The following is an entry in ClinVar:

NC_000007.13:g.(40117721_40118318)_(40118451_40127724)del

Gene: CDK13 (cyclin dependent kinase 13; plus strand). Cytogenetic location: 7p14.1.
Variant type: Deletion.
Identifiers: ClinVar variation 3336524 (VCV003336524.1).

ClinVar aggregate classification (germline): Uncertain significance (1 of 4 stars; one submission).

Submission:

Women's Health and Genetics/Laboratory Corporation of America, LabCorp
Classification: Uncertain significance. Last evaluated: 2024-05-17. Review status: criteria provided, single submitter. Criteria: LabCorp Variant Classification Summary - May 2015. Collection method: clinical testing. Allele origin: germline.
Comment: Variant summary: The variant involves the deletion of exon 11 in the CDK13 gene. A presumed nomenclature of c.(2897+1_2898-1)_(3029+1_3030-1)del has been designated for the purposes of this classification. This Copy Number Variant (CNV) is predicted to result in an in-frame deletion within this gene. The variant was absent in 21694 control chromosomes. The available data on variant occurrences in the general population are insufficient to allow any conclusion about variant significance. To our knowledge, no occurrence of c.(2897+1_2898-1)_(3029+1_3030-1)del in individuals affected with Congenital Heart Defects, Dysmorphic Facial Features, And Intellectual Developmental Disorder and no experimental evidence demonstrating its impact on protein function have been reported. No submitters have cited clinical-significance assessments for this variant to ClinVar. Based on the evidence outlined above, the variant was classified as uncertain significance.